The following is an entry in ClinVar:

ClinVar aggregate classification (germline): Likely benign. Review status: criteria provided, single submitter (1 of 4 stars). 2 submissions from 2 submitters: Likely benign (1). 1 of the submissions does not count toward it. Last evaluated 2024-03-18.

Conditions:
Bardet-Biedl syndrome (BBS). Identifiers: Orphanet 110, MedGen C0752166, MONDO:0015229.
McKusick-Kaufman syndrome (MKKS). Also called: HYDROMETROCOLPOS SYNDROME; HYDROMETROCOLPOS, POSTAXIAL POLYDACTYLY, AND CONGENITAL HEART MALFORMATION. Identifiers: Orphanet 2473, MedGen C0948368, MONDO:0009367, OMIM 236700.
MKKS-related disorder. Also called: MKKS-related condition; MKKS-related disorders.

Allele frequency attached by ClinVar (database versions not stated): gnomAD 0.00002; TOPMed 0.00003.

Submissions (2):

Labcorp Genetics (formerly Invitae), Labcorp
Classification: Likely benign for McKusick-Kaufman syndrome; Bardet-Biedl syndrome. Last evaluated: 2024-03-18. Review status: criteria provided, single submitter. Criteria: Invitae Variant Classification Sherloc (09022015). Collection method: clinical testing. Allele origin: germline.

PreventionGenetics, part of Exact Sciences
Classification: Likely benign for MKKS-related condition. Last evaluated: 2020-05-27. Review status: no assertion criteria provided. Collection method: clinical testing. Allele origin: germline. Not counted in ClinVar's aggregate classification.
Comment: This variant is classified as likely benign based on ACMG/AMP sequence variant interpretation guidelines (Richards et al. 2015 PMID: 25741868, with internal and published modifications).

NM_170784.3(MKKS):c.1377C>T (p.Gly459=)

Gene: MKKS (MKKS centrosomal shuttling protein; minus strand). Cytogenetic location: 20p12.2.
Variant type: single nucleotide variant.
Coding change: c.1377C>T on transcript NM_170784.3 (MANE Select); coding-DNA position 1377, C replaced by T.
Protein change: p.Gly459=; no amino-acid change (glycine 459 retained).
Molecular consequence: synonymous variant. On other transcripts: non-coding transcript variant (1).
Genome position (GRCh38, 1-based): chr20:10,405,583, G>A on the plus strand (C>T on the coding strand, the complement: MKKS is on the minus strand). VCF-style: chr20-10405583-G-A. GRCh37 (hg19) VCF-style: chr20-10386231-G-A.
Other names: c.1377C>T, p.Gly459= (NM_018848.3).
Identifiers: ClinVar variation 2941475 (VCV002941475.4), dbSNP rs1477590546, ClinGen allele CA509814846.